The following is an entry in ClinVar:

ClinVar aggregate classification (germline): Uncertain significance (1 of 4 stars; one submission).

Conditions:
Inborn genetic diseases. Identifiers: MedGen C0950123, MeSH D030342.

Submission:

Ambry Genetics
Classification: Uncertain significance for Inborn genetic diseases. Last evaluated: 2025-05-17. Review status: criteria provided, single submitter. Criteria: Ambry Variant Classification Scheme 2023. Collection method: clinical testing. Allele origin: germline.
Comment: The p.K160N variant (also known as c.480A>C), located in coding exon 7 of the ASXL1 gene, results from an A to C substitution at nucleotide position 480. The lysine at codon 160 is replaced by asparagine, an amino acid with similar properties. This amino acid position is conserved. In addition, this alteration is predicted to be tolerated by in silico analysis. Based on the available evidence, the clinical significance of this variant remains unclear.

NM_015338.6(ASXL1):c.480A>C (p.Lys160Asn)

Gene: ASXL1 (ASXL transcriptional regulator 1; plus strand). Cytogenetic location: 20q11.21.
Variant type: single nucleotide variant.
Coding change: c.480A>C on transcript NM_015338.6 (MANE Select); coding-DNA position 480, A replaced by C.
Protein change: p.Lys160Asn; replaces lysine 160 with asparagine.
Molecular consequence: missense variant.
Genome position (GRCh38, 1-based): chr20:32,429,346, A>C. VCF-style: chr20-32429346-A-C. GRCh37 (hg19) VCF-style: chr20-31017149-A-C.
Other names: c.450A>C, p.Lys150Asn (NM_001363734.1); short protein forms K150N, K160N.
Identifiers: ClinVar variation 3957011 (VCV003957011.1).